The following is an entry in ClinVar:

NM_017739.4(POMGNT1):c.1521C>G (p.Asn507Lys)

Genes: POMGNT1 (protein O-linked mannose N-acetylglucosaminyltransferase 1 (beta 1,2-); minus strand), TSPAN1 (tetraspanin 1; plus strand). Cytogenetic location: 1p34.1.
Variant type: single nucleotide variant.
Coding change: c.1521C>G on transcript NM_017739.4 (MANE Select); coding-DNA position 1521, C replaced by G.
Protein change: p.Asn507Lys; replaces asparagine 507 with lysine.
Molecular consequence: missense variant.
Genome position (GRCh38, 1-based): chr1:46,192,116, G>C on the plus strand (C>G on the coding strand, the complement: POMGNT1 is on the minus strand). VCF-style: chr1-46192116-G-C. GRCh37 (hg19) VCF-style: chr1-46657788-G-C.
Other names: c.1521C>G, p.Asn507Lys (NM_001243766.2, NM_001410783.1); c.1455C>G, p.Asn485Lys (NM_001290129.3); c.1092C>G, p.Asn364Lys (NM_001290130.2); short protein forms N364K, N485K, N507K.
Identifiers: ClinVar variation 1359192 (VCV001359192.8), dbSNP rs767617711, ClinGen allele CA340173144.

ClinVar aggregate classification (germline): Uncertain significance (1 of 4 stars; one submission).

Conditions:
Autosomal recessive limb-girdle muscular dystrophy type 2O. Also called: Limb-Girdle Muscular Dystrophy Type 3C; MUSCULAR DYSTROPHY-DYSTROGLYCANOPATHY (LIMB-GIRDLE), TYPE C, 3; MUSCULAR DYSTROPHY-DYSTROGLYCANOPATHY, LIMB-GIRDLE, POMGNT1-RELATED. Identifiers: Orphanet 206564, MedGen C3150417, MONDO:0013161, OMIM 613157.
Muscular dystrophy-dystroglycanopathy (congenital with impaired intellectual development), type B, 3. Also called: MUSCULAR DYSTROPHY, CONGENITAL, POMGNT1-RELATED; Muscular dystrophy-dystroglycanopathy (congenital with intellectual disability), type B3. Identifiers: MedGen C3150412, MONDO:0013155, OMIM 613151.

Submission:

Labcorp Genetics (formerly Invitae), Labcorp
Classification: Uncertain significance for Autosomal recessive limb-girdle muscular dystrophy type 2O; Muscular dystrophy-dystroglycanopathy (congenital with impaired intellectual development), type B, 3. Last evaluated: 2022-06-27. Review status: criteria provided, single submitter. Criteria: Invitae Variant Classification Sherloc (09022015). Collection method: clinical testing. Allele origin: germline.
Comment: Algorithms developed to predict the effect of missense changes on protein structure and function are either unavailable or do not agree on the potential impact of this missense change (SIFT: "Tolerated"; PolyPhen-2: "Probably Damaging"; Align-GVGD: "Class C0"). Algorithms developed to predict the effect of sequence changes on RNA splicing suggest that this variant may create or strengthen a splice site. In summary, the available evidence is currently insufficient to determine the role of this variant in disease. Therefore, it has been classified as a Variant of Uncertain Significance. This variant has not been reported in the literature in individuals affected with POMGNT1-related conditions. This sequence change replaces asparagine, which is neutral and polar, with lysine, which is basic and polar, at codon 507 of the POMGNT1 protein (p.Asn507Lys). This variant is not present in population databases (gnomAD no frequency).